The following is an entry in ClinVar:

NM_018063.5(HELLS):c.1936G>A (p.Asp646Asn)

Gene: HELLS (helicase, lymphoid specific; plus strand). Cytogenetic location: 10q23.33.
Variant type: single nucleotide variant.
Coding change: c.1936G>A on transcript NM_018063.5 (MANE Select); coding-DNA position 1936, G replaced by A.
Protein change: p.Asp646Asn; replaces aspartic acid 646 with asparagine.
Molecular consequence: missense variant.
Genome position (GRCh38, 1-based): chr10:94,592,479, G>A. VCF-style: chr10-94592479-G-A. GRCh37 (hg19) VCF-style: chr10-96352236-G-A.
Other names: c.718G>A, p.Asp240Asn (NM_001289075.2); c.2074G>A, p.Asp692Asn (NM_001289067.2); c.1888G>A, p.Asp630Asn (NM_001289068.2); c.1840G>A, p.Asp614Asn (NM_001289069.2); c.1642G>A, p.Asp548Asn (NM_001289070.2); c.1564G>A, p.Asp522Asn (NM_001289071.2); c.1546G>A, p.Asp516Asn (NM_001289072.2); c.1522G>A, p.Asp508Asn (NM_001289073.2); and 1 more; short protein forms D285N, D646N, D240N, D516N, D522N, D548N, D630N, D508N.
Identifiers: ClinVar variation 1965744 (VCV001965744.5), dbSNP rs2493281680, ClinGen allele CA377667302.

ClinVar aggregate classification (germline): Uncertain significance (1 of 4 stars; one submission).

Submission:

Labcorp Genetics (formerly Invitae), Labcorp
Classification: Uncertain significance. Last evaluated: 2022-07-23. Review status: criteria provided, single submitter. Criteria: Invitae Variant Classification Sherloc (09022015). Collection method: clinical testing. Allele origin: germline.
Comment: Algorithms developed to predict the effect of missense changes on protein structure and function are either unavailable or do not agree on the potential impact of this missense change (SIFT: "Deleterious"; PolyPhen-2: "Probably Damaging"; Align-GVGD: "Class C15"). In summary, the available evidence is currently insufficient to determine the role of this variant in disease. Therefore, it has been classified as a Variant of Uncertain Significance. This variant is not present in population databases (gnomAD no frequency). This variant has not been reported in the literature in individuals affected with HELLS-related conditions. This sequence change replaces aspartic acid, which is acidic and polar, with asparagine, which is neutral and polar, at codon 646 of the HELLS protein (p.Asp646Asn).